The following is an entry in ClinVar:

NM_006907.4(PYCR1):c.516G>A (p.Gly172=)

Gene: PYCR1 (pyrroline-5-carboxylate reductase 1; minus strand). Cytogenetic location: 17q25.3.
Variant type: single nucleotide variant.
Coding change: c.516G>A on transcript NM_006907.4 (MANE Select); coding-DNA position 516, G replaced by A.
Protein change: p.Gly172=; no amino-acid change (glycine 172 retained).
Molecular consequence: synonymous variant.
Genome position (GRCh38, 1-based): chr17:81,934,950, C>T on the plus strand (G>A on the coding strand, the complement: PYCR1 is on the minus strand). VCF-style: chr17-81934950-C-T. GRCh37 (hg19) VCF-style: chr17-79892826-C-T.
Other names: c.516G>A, p.Gly172= (NM_001282279.2, NM_001282280.2, NM_001330523.2 and 1 more transcripts); c.597G>A, p.Gly199= (NM_001282281.2).
Identifiers: ClinVar variation 681138 (VCV000681138.1), dbSNP rs1486257618, ClinGen allele CA502426371.

ClinVar aggregate classification (germline): Likely benign (1 of 4 stars; one submission).

Allele frequency attached by ClinVar (database versions not stated): gnomAD exomes below 0.00001; TOPMed 0.00001.
gnomAD v4.1: 2 of 1,609,368 alleles (0.00012%); highest among the groups gnomAD compares: Non-Finnish European, 0.00017%; no homozygotes.

Submission:

GeneDx
Classification: Likely benign. Last evaluated: 2018-03-28. Review status: criteria provided, single submitter. Criteria: GeneDx Variant Classification (06012015). Collection method: clinical testing. Allele origin: germline. Affected: yes.
Comment: This variant is considered likely benign or benign based on one or more of the following criteria: it is a conservative change, it occurs at a poorly conserved position in the protein, it is predicted to be benign by multiple in silico algorithms, and/or has population frequency not consistent with disease.